The following is an entry in ClinVar:

ClinVar aggregate classification (germline): Conflicting classifications of pathogenicity. Review status: criteria provided, conflicting classifications (1 of 4 stars). 3 submissions from 3 submitters: Uncertain significance (2); Likely benign (1). Last evaluated 2026-05-11.

Conditions:
Neurofibromatosis, type 1 (NF1). Also called: Neurofibromatosis, type I; NEUROFIBROMATOSIS, TYPE I, SOMATIC; VON RECKLINGHAUSEN DISEASE; Peripheral type neurofibromatosis. Identifiers: Orphanet 636, MedGen C0027831, MONDO:0018975, OMIM 162200. Disease mechanism: loss of function.
Neurofibromatosis, familial spinal (FSNF). Identifiers: Orphanet 636, MedGen C1834235, MONDO:0008078, OMIM 162210. Disease mechanism: loss of function.
Juvenile myelomonocytic leukemia (JMML). Also called: LEUKEMIA, JUVENILE MYELOMONOCYTIC, SOMATIC. Identifiers: Orphanet 86834, MedGen C0349639, MONDO:0011908, OMIM 607785, HP:0012209.
Neurofibromatosis-Noonan syndrome (NFNS). Also called: NEUROFIBROMATOSIS WITH NOONAN PHENOTYPE. Identifiers: Orphanet 638, MedGen C2931482, MONDO:0011035, OMIM 601321. Disease mechanism: loss of function.
Café-au-lait macules with pulmonary stenosis (WTSN). Also called: PULMONIC STENOSIS WITH CAFE-AU-LAIT SPOTS. Identifiers: MedGen C0553586, MONDO:0008672, OMIM 193520.

Submissions (3):

Myriad Genetics, Inc.
Classification: Likely benign for Neurofibromatosis, type 1. Last evaluated: 2026-05-11. Review status: criteria provided, single submitter. Criteria: Myriad Autosomal Dominant, Autosomal Recessive and X-Linked Classification Criteria (2023). Collection method: clinical testing. Allele origin: unknown.
Comment: This variant is considered likely benign. This variant is intronic and is not expected to impact mRNA splicing.

GeneDx
Classification: Uncertain significance. Last evaluated: 2022-03-31. Review status: criteria provided, single submitter. Criteria: GeneDx Variant Classification Process June 2021. Collection method: clinical testing. Allele origin: germline. Affected: yes.
Comment: Has not been previously published as pathogenic or benign to our knowledge; In-silico analysis, which includes splice predictors and evolutionary conservation, is inconclusive as to whether the variant alters gene splicing. In the absence of RNA/functional studies, the actual effect of this sequence change is unknown.

Fulgent Genetics
Classification: Uncertain significance for Neurofibromatosis, type 1; Neurofibromatosis, familial spinal; Café-au-lait macules with pulmonary stenosis; Neurofibromatosis-Noonan syndrome; Juvenile myelomonocytic leukemia. Last evaluated: 2022-01-01. Review status: criteria provided, single submitter. Criteria: ACMG Guidelines, 2015. Collection method: clinical testing. Allele origin: unknown.

NM_001042492.3(NF1):c.889-11_889-6delinsAAATT

Gene: NF1 (neurofibromin 1; plus strand). Cytogenetic location: 17q11.2.
Variant type: Indel.
Coding change: c.889-11_889-6delinsAAATT on transcript NM_001042492.3 (MANE Select); 11 bases into the intron before coding-DNA position 889 through 6 bases into the intron before coding-DNA position 889, GAATTC replaced by AAATT.
Molecular consequence: intron variant.
Genome position (GRCh38, 1-based): chr17:31,200,411-31,200,416, GAATTC replaced by AAATT. VCF-style: chr17-31200411-GAATTC-AAATT. GRCh37 (hg19) VCF-style: chr17-29527429-GAATTC-AAATT.
Other names: c.889-11_889-6delinsAAATT (NM_000267.4, NM_001128147.3).
Identifiers: ClinVar variation 1190641 (VCV001190641.6), dbSNP rs2143871690, ClinGen allele CA2499224009.